The following is an entry in ClinVar:

ClinVar aggregate classification (germline): Pathogenic (1 of 4 stars; one submission).

Conditions:
Neuromuscular disease caused by qualitative or quantitative defects of dystrophin. Also called: Qualitative or quantitative defects of dystrophin. Identifiers: Orphanet 207085, MedGen C5679787, MONDO:0016147.

Submission:

Women's Health and Genetics/Laboratory Corporation of America, LabCorp
Classification: Pathogenic for Neuromuscular disease caused by qualitative or quantitative defects of dystrophin. Last evaluated: 2025-07-22. Review status: criteria provided, single submitter. Criteria: LabCorp Variant Classification Summary - May 2015. Collection method: clinical testing. Allele origin: germline.
Comment: Variant summary: The variant involves the deletion of exon 1 in the DMD gene. A presumed nomenclature of c.(?_-238)_(31+1_32-1)del has been designated for the purposes of this classification. The exact breakpoint at the 5' end of this variant is unknown, therefore this deletion may extend upstream of the annotated region of this gene. Although the exact breakpoints of this deletion are not known, it is predicted to remove the initiation codon and result in an absence of protein or a truncation of the encoded protein due to translation initiation at a downstream site. The variant was absent in 16120 control chromosomes. A deletion involving exon 1 has been observed in individual(s) affected with Dystrophinopathies (e.g. Zamani_2022). These report(s) do not provide unequivocal conclusions about association of the variant with Dystrophinopathies. To our knowledge, no experimental evidence demonstrating an impact on protein function has been reported. The following publication has been ascertained in the context of this evaluation (PMID: 35501714). No submitters have cited clinical-significance assessments for this variant to ClinVar. Based on the evidence outlined above, the variant was classified as pathogenic.

Literature cited by the submitters: PubMed 35501714.

NC_000023.10:g.(33038318_33229398)_(33229667_?)del

Gene: DMD (dystrophin; minus strand). Cytogenetic location: Xp21.1.
Variant type: Deletion.
Identifiers: ClinVar variation 4526298 (VCV004526298.1).